The following is an entry in ClinVar:

NM_001079872.2(CUL4B):c.951TAT[1] (p.Ile319del)

Gene: CUL4B (cullin 4B; minus strand). Cytogenetic location: Xq24.
Variant type: Microsatellite.
Coding change: c.951TAT[1] on transcript NM_001079872.2 (MANE Select); one copy of the 3-base unit TAT starting at c.951; the reference has two copies in a row; one copy, 3 bases deleted.
Protein change: p.Ile319del; deletes isoleucine 319.
Molecular consequence: inframe deletion.
Genome position (GRCh38, 1-based): chrX:120,544,608-120,544,610, ATA deleted on the plus strand (TAT on the coding strand, the reverse complement: CUL4B is on the minus strand); deleting any 3 consecutive bases within chrX:120,544,608-120,544,613 gives the same sequence; the position shown is the placement nearest the transcript's 3' end. VCF-style (leftmost placement, unchanged base first): chrX-120544607-TATA-T. GRCh37 (hg19) VCF-style: chrX-119678462-TATA-T.
Other names: c.1008_1010delTAT (NM_003588.3); c.966TAT[1], p.Ile324del (NM_001330624.2); c.417TAT[1], p.Ile141del (NM_001369145.1); c.1005TAT[1], p.Ile337del (NM_003588.4); short protein forms I337del, I141del, I319del, I324del.
Identifiers: ClinVar variation 533699 (VCV000533699.10), dbSNP rs1556214312, ClinGen allele CA658799849.
Genomic context (GRCh38, chrX:120,544,607, plus strand): 5'-TTCCCTCTCAATCAAGAGAAGAATGCCATCAATTGTCTTATTCTGCACTTTCTGATCACT[TATA>T]ATATGAGCCCTAAATAACTCCAGTCCCATGTCCCTAAAATAAAAAACACATATAACCTAA-3'

ClinVar aggregate classification (germline): Uncertain significance. Review status: criteria provided, multiple submitters, no conflicts (2 of 4 stars). 2 submissions from 2 submitters: Uncertain significance (2). Last evaluated 2025-07-02.

Conditions:
X-linked intellectual disability Cabezas type (MRXSC). Also called: Intellectual developmental disorder, X-linked syndromic, Cabezas type; MENTAL RETARDATION, X-LINKED, SYNDROMIC 15; CABEZAS SYNDROME. Identifiers: Orphanet 85289, Orphanet 85293, MedGen C1845861, MONDO:0010306, OMIM 300354.

Submissions (2):

Labcorp Genetics (formerly Invitae), Labcorp
Classification: Uncertain significance for X-linked intellectual disability Cabezas type. Last evaluated: 2025-07-02. Review status: criteria provided, single submitter. Criteria: Invitae Variant Classification Sherloc (09022015). Collection method: clinical testing. Allele origin: germline.
Comment: This variant, c.1008_1010del, results in the deletion of 1 amino acid(s) of the CUL4B protein (p.Ile337del), but otherwise preserves the integrity of the reading frame. This variant is not present in population databases (gnomAD no frequency). This variant has not been reported in the literature in individuals affected with CUL4B-related conditions. ClinVar contains an entry for this variant (Variation ID: 533699). Experimental studies and prediction algorithms are not available or were not evaluated, and the functional significance of this variant is currently unknown. In summary, the available evidence is currently insufficient to determine the role of this variant in disease. Therefore, it has been classified as a Variant of Uncertain Significance.

GeneDx
Classification: Uncertain significance. Last evaluated: 2021-03-30. Review status: criteria provided, single submitter. Criteria: GeneDx Variant Classification Process June 2021. Collection method: clinical testing. Allele origin: germline. Affected: yes.
Comment: Not observed in large population cohorts (Lek et al., 2016); In-frame deletion of 1 amino acid in a non-repeat region; In silico analysis supports a deleterious effect on protein structure/function; Has not been previously published as pathogenic or benign to our knowledge